The following is an entry in ClinVar:

NM_031844.3(HNRNPU):c.222C>G (p.Leu74=)

Gene: HNRNPU (heterogeneous nuclear ribonucleoprotein U; minus strand). Cytogenetic location: 1q44.
Variant type: single nucleotide variant.
Coding change: c.222C>G on transcript NM_031844.3 (MANE Select); coding-DNA position 222, C replaced by G.
Protein change: p.Leu74=; no amino-acid change (leucine 74 retained).
Molecular consequence: synonymous variant.
Genome position (GRCh38, 1-based): chr1:244,864,086, G>C on the plus strand (C>G on the coding strand, the complement: HNRNPU is on the minus strand). VCF-style: chr1-244864086-G-C. GRCh37 (hg19) VCF-style: chr1-245027388-G-C.
Other names: c.222C>G, p.Leu74= (NM_004501.3).
Identifiers: ClinVar variation 700068 (VCV000700068.14), dbSNP rs201337749, ClinGen allele CA1486844.

ClinVar aggregate classification (germline): Likely benign. Review status: criteria provided, multiple submitters, no conflicts (2 of 4 stars). 3 submissions from 3 submitters: Likely benign (3). Last evaluated 2026-08-05.

Conditions:
HNRNPU-related disorder. Also called: HNRNPU-related condition.
Developmental and epileptic encephalopathy, 54. Also called: HNRNPU-Related Neurodevelopmental Disorder; Epileptic encephalopathy, early infantile, 54. Identifiers: MedGen C4479319, MONDO:0033363, OMIM 617391.
Inborn genetic diseases. Identifiers: MedGen C0950123, MeSH D030342.

Allele frequency attached by ClinVar (database versions not stated): gnomAD exomes 0.00002; TOPMed 0.00003; ExAC 0.00008; 1000 Genomes Project 0.00060; 1000 Genomes Project 30x 0.00062.
gnomAD v4.1: 31 of 1,598,818 alleles (0.0019%); highest among the groups gnomAD compares: Admixed American, 0.043%; no homozygotes.

Submissions (3):

PreventionGenetics, part of Exact Sciences
Classification: Likely benign for HNRNPU-related condition. Last evaluated: 2026-08-05. Review status: criteria provided, single submitter. Criteria: ACMG Guidelines, 2015. Collection method: clinical testing. Allele origin: germline.
Comment: This variant is classified as likely benign based on ACMG/AMP sequence variant interpretation guidelines (Richards et al. 2015 PMID: 25741868, with internal and published modifications).

Labcorp Genetics (formerly Invitae), Labcorp
Classification: Likely benign for Developmental and epileptic encephalopathy, 54. Last evaluated: 2025-12-10. Review status: criteria provided, single submitter. Criteria: Invitae Variant Classification Sherloc (09022015). Collection method: clinical testing. Allele origin: germline.

Ambry Genetics
Classification: Likely benign for Inborn genetic diseases. Last evaluated: 2018-07-26. Review status: criteria provided, single submitter. Criteria: Ambry Variant Classification Scheme 2023. Collection method: clinical testing. Allele origin: germline.